The following is an entry in ClinVar:

NM_001367721.1(CASK):c.1315G>A (p.Ala439Thr)

Gene: CASK (calcium/calmodulin dependent serine protein kinase; minus strand). Cytogenetic location: Xp11.4.
Variant type: single nucleotide variant.
Coding change: c.1315G>A on transcript NM_001367721.1 (MANE Select); coding-DNA position 1315, G replaced by A.
Protein change: p.Ala439Thr; replaces alanine 439 with threonine.
Molecular consequence: missense variant.
Genome position (GRCh38, 1-based): chrX:41,578,528, C>T on the plus strand (G>A on the coding strand, the complement: CASK is on the minus strand). VCF-style: chrX-41578528-C-T. GRCh37 (hg19) VCF-style: chrX-41437781-C-T.
Other names: c.1315G>A, p.Ala439Thr (NM_001126054.3, NM_003688.4); c.1297G>A, p.Ala433Thr (NM_001126055.3, NM_001410745.1); short protein forms A439T, A433T.
Identifiers: ClinVar variation 2959265 (VCV002959265.3), dbSNP rs2519819455, ClinGen allele CA412998328.
Genomic context (GRCh38, chrX:41,578,528, plus strand): 5'-CCCTCAATGCTTCATCACTGTAAACTTCATGTGCCACTACGTCGTGAGTCTGAAGTAAGG[C>T]CTAGTGTTTTATGAAGAAAAAAATTATTAATAACATTACTATTTCAGCAGAAATTTATTT-3'
Protein context (NP_001354650.1, residues 429-449): KRILTQPHFM[Ala439Thr]LLQTHDVVAH

ClinVar aggregate classification (germline): Uncertain significance (1 of 4 stars; one submission).

Conditions:
Intellectual disability, CASK-related, X-linked. Identifiers: MedGen CN043158.

Submission:

Labcorp Genetics (formerly Invitae), Labcorp
Classification: Uncertain significance for Intellectual disability, CASK-related, X-linked. Last evaluated: 2022-10-30. Review status: criteria provided, single submitter. Criteria: Invitae Variant Classification Sherloc (09022015). Collection method: clinical testing. Allele origin: germline.
Comment: In summary, the available evidence is currently insufficient to determine the role of this variant in disease. Therefore, it has been classified as a Variant of Uncertain Significance. Algorithms developed to predict the effect of missense changes on protein structure and function are either unavailable or do not agree on the potential impact of this missense change (SIFT: "Deleterious"; PolyPhen-2: "Benign"; Align-GVGD: "Class C55"). This variant has not been reported in the literature in individuals affected with CASK-related conditions. This variant is not present in population databases (gnomAD no frequency). This sequence change replaces alanine, which is neutral and non-polar, with threonine, which is neutral and polar, at codon 439 of the CASK protein (p.Ala439Thr).